The following is an entry in ClinVar:

ClinVar aggregate classification (germline): Likely pathogenic (1 of 4 stars; one submission).

Allele frequency attached by ClinVar (database versions not stated): gnomAD exomes below 0.00001.
gnomAD v4.1: 1 of 1,605,830 alleles (0.000062%); highest among the groups gnomAD compares: Non-Finnish European, 0.000085%; no homozygotes.

Submission:

Labcorp Genetics (formerly Invitae), Labcorp
Classification: Likely pathogenic. Last evaluated: 2022-01-19. Review status: criteria provided, single submitter. Criteria: Invitae Variant Classification Sherloc (09022015). Collection method: clinical testing. Allele origin: germline.
Comment: This sequence change affects a donor splice site in intron 13 of the ADCY5 gene. It is expected to disrupt RNA splicing. Variants that disrupt the donor or acceptor splice site typically lead to a loss of protein function (PMID: 16199547), and loss-of-function variants in ADCY5 are known to be pathogenic (PMID: 28971144, 34631954). This variant is not present in population databases (gnomAD no frequency). In summary, the currently available evidence indicates that the variant is pathogenic, but additional data are needed to prove that conclusively. Therefore, this variant has been classified as Likely Pathogenic. Algorithms developed to predict the effect of sequence changes on RNA splicing suggest that this variant may disrupt the consensus splice site. This variant has not been reported in the literature in individuals affected with ADCY5-related conditions.

Literature cited by the submitters: PubMed 16199547; PubMed 28971144; PubMed 34631954.

NM_183357.3(ADCY5):c.2559+1G>A

Gene: ADCY5 (adenylate cyclase 5; minus strand). Cytogenetic location: 3q21.1.
Variant type: single nucleotide variant.
Coding change: c.2559+1G>A on transcript NM_183357.3 (MANE Select); the canonical splice donor site of the intron after coding-DNA position 2559, G replaced by A.
Molecular consequence: splice donor variant.
Genome position (GRCh38, 1-based): chr3:123,304,066, C>T on the plus strand (G>A on the coding strand, the complement: ADCY5 is on the minus strand). VCF-style: chr3-123304066-C-T. GRCh37 (hg19) VCF-style: chr3-123022913-C-T.
Other names: c.2559+1G>A (NM_001378259.1); c.1509+1G>A (NM_001199642.1).
Identifiers: ClinVar variation 1483227 (VCV001483227.6), dbSNP rs2108269869, ClinGen allele CA354225305.